The following is an entry in ClinVar:

NM_198282.4(STING1):c.503T>C (p.Leu168Pro)

Gene: STING1 (stimulator of interferon response cGAMP interactor 1; minus strand). Cytogenetic location: 5q31.2.
Variant type: single nucleotide variant.
Coding change: c.503T>C on transcript NM_198282.4 (MANE Select); coding-DNA position 503, T replaced by C.
Protein change: p.Leu168Pro; replaces leucine 168 with proline.
Molecular consequence: missense variant.
Genome position (GRCh38, 1-based): chr5:139,480,807, A>G on the plus strand (T>C on the coding strand, the complement: STING1 is on the minus strand). VCF-style: chr5-139480807-A-G. GRCh37 (hg19) VCF-style: chr5-138860392-A-G.
Other names: c.503T>C, p.Leu168Pro (NM_001301738.2); c.146T>C, p.Leu49Pro (NM_001367258.1); c.503T>C (NM_198282.2); short protein forms L168P, L49P.
Identifiers: ClinVar variation 1680254 (VCV001680254.9), dbSNP rs532530144, ClinGen allele CA3435396.
Genomic context (GRCh38, chr5:139,480,807, plus strand): 5'-CTGTTTTGTAGATCGAGAAATGGGGGCAGAGAGGATGGCCCACCTGGCAGGATCAGCCGC[A>G]GATATCCGATGTAATATGACCATGCCAGCCCATGGGCCACGTTGAAATTCCCTTTTTCAC-3'
Protein context (NP_938023.1, residues 158-178): GLAWSYYIGY[Leu168Pro]RLILPELQAR

ClinVar aggregate classification (germline): Uncertain significance. Review status: criteria provided, multiple submitters, no conflicts (2 of 4 stars). 2 submissions from 2 submitters: Uncertain significance (2). Last evaluated 2025-12-09.

Conditions:
Inborn genetic diseases. Identifiers: MedGen C0950123, MeSH D030342.
STING-associated vasculopathy with onset in infancy. Also called: Sting-associated vasculopathy, infantile-onset. Identifiers: Orphanet 425120, MedGen C4014722, MONDO:0014405, OMIM 615934.

Allele frequency attached by ClinVar (database versions not stated): 1000 Genomes Project 30x 0.00016; gnomAD exomes 0.00001; gnomAD 0.00004 and 0.00003; TOPMed 0.00008; ExAC 0.00003; 1000 Genomes Project 0.00020.
gnomAD v4.1: 14 of 1,613,374 alleles (0.00087%); highest among the groups gnomAD compares: Admixed American, 0.012%; no homozygotes.

Submissions (2):

Labcorp Genetics (formerly Invitae), Labcorp
Classification: Uncertain significance for STING-associated vasculopathy with onset in infancy. Last evaluated: 2025-12-09. Review status: criteria provided, single submitter. Criteria: Invitae Variant Classification Sherloc (09022015). Collection method: clinical testing. Allele origin: germline.
Comment: This sequence change replaces leucine, which is neutral and non-polar, with proline, which is neutral and non-polar, at codon 168 of the TMEM173 protein (p.Leu168Pro). This variant is present in population databases (rs532530144, gnomAD 0.003%). This variant has not been reported in the literature in individuals affected with TMEM173-related conditions. ClinVar contains an entry for this variant (Variation ID: 1680254). Invitae Evidence Modeling of protein sequence and biophysical properties (such as structural, functional, and spatial information, amino acid conservation, physicochemical variation, residue mobility, and thermodynamic stability) indicates that this missense variant is expected to disrupt TMEM173 protein function with a positive predictive value of 80%. In summary, the available evidence is currently insufficient to determine the role of this variant in disease. Therefore, it has been classified as a Variant of Uncertain Significance.

Ambry Genetics
Classification: Uncertain significance for Inborn genetic diseases. Last evaluated: 2024-04-20. Review status: criteria provided, single submitter. Criteria: Ambry Variant Classification Scheme 2023. Collection method: clinical testing. Allele origin: germline.